The following is an entry in ClinVar:

ClinVar aggregate classification (germline): Likely benign (0 of 4 stars; one submission).

Conditions:
NCOR2-related disorder. Also called: NCOR2-related condition.

Allele frequency attached by ClinVar (database versions not stated): gnomAD 0.00074; ExAC 0.00077; TOPMed 0.00085; ESP Exome Variant Server 0.00088; gnomAD exomes 0.00127.
gnomAD v4.1: 1,948 of 1,612,316 alleles (0.12%); highest among the groups gnomAD compares: Non-Finnish European, 0.16%; 2 homozygotes.

Submission:

PreventionGenetics, part of Exact Sciences
Classification: Likely benign for NCOR2-related condition. Last evaluated: 2019-09-19. Review status: no assertion criteria provided. Collection method: clinical testing. Allele origin: germline.
Comment: This variant is classified as likely benign based on ACMG/AMP sequence variant interpretation guidelines (Richards et al. 2015 PMID: 25741868, with internal and published modifications).

NM_006312.6(NCOR2):c.2172A>G (p.Leu724=)

Gene: NCOR2 (nuclear receptor corepressor 2; minus strand). Cytogenetic location: 12q24.31.
Variant type: single nucleotide variant.
Coding change: c.2172A>G on transcript NM_006312.6 (MANE Select); coding-DNA position 2172, A replaced by G.
Protein change: p.Leu724=; no amino-acid change (leucine 724 retained).
Molecular consequence: synonymous variant. On other transcripts: intron variant (2).
Genome position (GRCh38, 1-based): chr12:124,374,459, T>C on the plus strand (A>G on the coding strand, the complement: NCOR2 is on the minus strand). VCF-style: chr12-124374459-T-C. GRCh37 (hg19) VCF-style: chr12-124859005-T-C.
Other names: c.2165-1849A>G (NM_001077261.4, NM_001206654.2).
Identifiers: ClinVar variation 3040309 (VCV003040309.2), dbSNP rs369809475, ClinGen allele CA6869178.